The following is an entry in ClinVar:

ClinVar aggregate classification (germline): Uncertain significance (1 of 4 stars; one submission).

gnomAD v4.1: 12 of 1,613,982 alleles (0.00074%); highest among the groups gnomAD compares: East Asian, 0.0022%; no homozygotes.

Submission:

Labcorp Genetics (formerly Invitae), Labcorp
Classification: Uncertain significance. Last evaluated: 2025-04-09. Review status: criteria provided, single submitter. Criteria: Invitae Variant Classification Sherloc (09022015). Collection method: clinical testing. Allele origin: germline.
Comment: This sequence change replaces alanine, which is neutral and non-polar, with valine, which is neutral and non-polar, at codon 220 of the DDR2 protein (p.Ala220Val). This variant is present in population databases (rs759279024, gnomAD 0.006%). This variant has not been reported in the literature in individuals affected with DDR2-related conditions. An algorithm developed to predict the effect of missense changes on protein structure and function (PolyPhen-2) suggests that this variant is likely to be tolerated. In summary, the available evidence is currently insufficient to determine the role of this variant in disease. Therefore, it has been classified as a Variant of Uncertain Significance.

NM_006182.4(DDR2):c.659C>T (p.Ala220Val)

Gene: DDR2 (discoidin domain receptor tyrosine kinase 2; plus strand). Cytogenetic location: 1q23.3.
Variant type: single nucleotide variant.
Coding change: c.659C>T on transcript NM_006182.4 (MANE Select); coding-DNA position 659, C replaced by T.
Protein change: p.Ala220Val; replaces alanine 220 with valine.
Molecular consequence: missense variant.
Genome position (GRCh38, 1-based): chr1:162,755,757, C>T. VCF-style: chr1-162755757-C-T. GRCh37 (hg19) VCF-style: chr1-162725547-C-T.
Other names: c.659C>T, p.Ala220Val (NM_001014796.3, NM_001354982.2, NM_001354983.2); short protein forms A220V.
Identifiers: ClinVar variation 4767921 (VCV004767921.1).